The following is an entry in ClinVar:

ClinVar aggregate classification (germline): Likely benign (1 of 4 stars; one submission).

Conditions:
EPG5-related disorder. Also called: EPG5-related condition. Identifiers: MedGen CN381528.

Submission:

PreventionGenetics, part of Exact Sciences
Classification: Likely benign for EPG5-related condition. Last evaluated: 2026-06-01. Review status: criteria provided, single submitter. Criteria: ACMG Guidelines, 2015. Collection method: clinical testing. Allele origin: germline.
Comment: This variant is classified as likely benign based on ACMG/AMP sequence variant interpretation guidelines (Richards et al. 2015 PMID: 25741868, with internal and published modifications).

NM_020964.3(EPG5):c.6622-16_6622-7dup

Gene: EPG5 (ectopic P-granules 5 autophagy tethering factor; minus strand). Cytogenetic location: 18q12.3.
Variant type: Duplication.
Coding change: c.6622-16_6622-7dup on transcript NM_020964.3 (MANE Select); 16 bases into the intron before coding-DNA position 6622 through 7 bases into the intron before coding-DNA position 6622, 10 bases duplicated (TTTTTTTTTT; older notation c.6622-16_6622-7dupTTTTTTTTTT).
Molecular consequence: intron variant.
Genome position (GRCh38, 1-based): chr18:45,865,766-45,865,775, AAAAAAAAAA duplicated on the plus strand (TTTTTTTTTT on the coding strand, the reverse complement: EPG5 is on the minus strand); duplicating any 10 consecutive bases within chr18:45,865,766-45,865,782 gives the same sequence; the c. name uses the placement nearest the transcript's 3' end. VCF-style (leftmost placement, unchanged base first): chr18-45865765-C-CAAAAAAAAAA. GRCh37 (hg19) VCF-style: chr18-43445730-C-CAAAAAAAAAA.
Other names: c.6622-16_6622-7dup (NM_001410858.1); c.6619-16_6619-7dup (NM_001410859.1).
Identifiers: ClinVar variation 4978343 (VCV004978343.1).
Genomic context (GRCh38, chr18:45,865,765, plus strand): 5'-TGCTGAGGAATTGAACCATCTGATGAGTAAAAGCTTGGCATTTTGGAACTGCATCCTGAC[C>CAAAAAAAAAA]AAAAAAAAAAAAAAAAATCATTCAAATGAATCCAAGCAAGGAGTGTTAACTGCATATTTC-3'